The following is an entry in ClinVar:

ClinVar aggregate classification (germline): Uncertain significance (1 of 4 stars; one submission).

Allele frequency attached by ClinVar (database versions not stated): TOPMed below 0.00001; gnomAD 0.00001; gnomAD exomes 0.00002; ExAC 0.00002.
gnomAD v4.1: 29 of 1,606,752 alleles (0.0018%); highest among the groups gnomAD compares: Admixed American, 0.005%; no homozygotes.

Submission:

Labcorp Genetics (formerly Invitae), Labcorp
Classification: Uncertain significance. Last evaluated: 2025-04-07. Review status: criteria provided, single submitter. Criteria: Invitae Variant Classification Sherloc (09022015). Collection method: clinical testing. Allele origin: germline.
Comment: This sequence change replaces isoleucine, which is neutral and non-polar, with valine, which is neutral and non-polar, at codon 445 of the MYLIP protein (p.Ile445Val). This variant is present in population databases (rs770977798, gnomAD 0.006%). This variant has not been reported in the literature in individuals affected with MYLIP-related conditions. ClinVar contains an entry for this variant (Variation ID: 2747474). An algorithm developed to predict the effect of missense changes on protein structure and function (PolyPhen-2) suggests that this variant is likely to be tolerated. In summary, the available evidence is currently insufficient to determine the role of this variant in disease. Therefore, it has been classified as a Variant of Uncertain Significance.

NM_013262.4(MYLIP):c.1333A>G (p.Ile445Val)

Gene: MYLIP (myosin regulatory light chain interacting protein; plus strand). Cytogenetic location: 6p22.3.
Variant type: single nucleotide variant.
Coding change: c.1333A>G on transcript NM_013262.4 (MANE Select); coding-DNA position 1333, A replaced by G.
Protein change: p.Ile445Val; replaces isoleucine 445 with valine.
Molecular consequence: missense variant.
Genome position (GRCh38, 1-based): chr6:16,146,746, A>G. VCF-style: chr6-16146746-A-G. GRCh37 (hg19) VCF-style: chr6-16146977-A-G.
Other names: short protein forms I445V.
Identifiers: ClinVar variation 2747474 (VCV002747474.3), dbSNP rs770977798, ClinGen allele CA3644703.